The following is an entry in ClinVar:

NM_020366.4(RPGRIP1):c.2020C>T (p.Pro674Ser)

Gene: RPGRIP1 (RPGR interacting protein 1; plus strand). Cytogenetic location: 14q11.2.
Variant type: single nucleotide variant.
Coding change: c.2020C>T on transcript NM_020366.4 (MANE Select); coding-DNA position 2020, C replaced by T.
Protein change: p.Pro674Ser; replaces proline 674 with serine.
Molecular consequence: missense variant. On other transcripts: intron variant (4).
Genome position (GRCh38, 1-based): chr14:21,324,875, C>T. VCF-style: chr14-21324875-C-T. GRCh37 (hg19) VCF-style: chr14-21793034-C-T.
Other names: c.946C>T, p.Pro316Ser (NM_001377948.1); c.796+150C>T (NM_001377949.1); c.689-2748C>T (NM_001377523.1, NM_001377950.1); c.191-2748C>T (NM_001377951.1); short protein forms P316S, P674S.
Identifiers: ClinVar variation 1297122 (VCV001297122.3), dbSNP rs1328030621, ClinGen allele CA388867610.

ClinVar aggregate classification (germline): Conflicting classifications of pathogenicity. Review status: criteria provided, conflicting classifications (1 of 4 stars). 2 submissions from 2 submitters: Likely pathogenic (1); Uncertain significance (1). Last evaluated 2025-11-14.

Conditions:
Retinitis pigmentosa (RP). Identifiers: Orphanet 791, MedGen C0035334, MeSH D012174, MONDO:0019200, OMIM 268000. Inheritance: Autosomal dominant, autosomal recessive and X linked inheritance.

gnomAD v4.1: 9 of 1,613,990 alleles (0.00056%); highest among the groups gnomAD compares: Non-Finnish European, 0.00076%; no homozygotes.

Submissions (2):

Women's Health and Genetics/Laboratory Corporation of America, LabCorp
Classification: Uncertain significance. Last evaluated: 2025-11-14. Review status: criteria provided, single submitter. Criteria: LabCorp Variant Classification Summary - May 2015. Collection method: clinical testing. Allele origin: germline.
Comment: Variant summary: RPGRIP1 c.2020C>T (p.Pro674Ser) results in a non-conservative amino acid change in the encoded protein sequence. Algorithms developed to predict the effect of missense changes on protein structure and function all suggest that this variant is likely to be disruptive. The variant was absent in 249300 control chromosomes. c.2020C>T has been observed in individual(s) affected with Retinitis pigmentosa (example: Huang _2017). These data do not allow any conclusion about variant significance. To our knowledge, no experimental evidence demonstrating an impact on protein function has been reported. Other variant(s) affecting this residue has been determined to be pathogenic/likely pathogenic (example: c.2021C>A, p.P674H). The following publication have been ascertained in the context of this evaluation (PMID: 28456785). ClinVar contains an entry for this variant (Variation ID: 1297122). Based on the evidence outlined above, the variant was classified as VUS-possibly pathogenic.

Broad Center for Mendelian Genomics, Broad Institute of MIT and Harvard
Classification: Likely pathogenic for Retinitis pigmentosa. Last evaluated: 2021-04-01. Review status: criteria provided, single submitter. Criteria: ACMG Guidelines, 2015. Collection method: curation. Allele origin: germline. Inheritance: Autosomal recessive inheritance. Affected: yes.
Comment: Through a review of available evidence we were able to apply the following criteria: PM2, PP3, PM1, PP1, PM3. Based on this evidence we have classified this variant as Likely Pathogenic. If you have any questions about the classification please reach out to the Pierce Lab.

Literature cited by the submitters: PubMed 28456785 (cited by Women's Health and Genetics/Laboratory Corporation of America, LabCorp and Broad Center for Mendelian Genomics, Broad Institute of MIT and Harvard); PubMed 34906470 (cited by Broad Center for Mendelian Genomics, Broad Institute of MIT and Harvard).